The following is an entry in ClinVar:

ClinVar aggregate classification (germline): Pathogenic (1 of 4 stars; one submission).

Submission:

Labcorp Genetics (formerly Invitae), Labcorp
Classification: Pathogenic. Last evaluated: 2025-09-28. Review status: criteria provided, single submitter. Criteria: Invitae Variant Classification Sherloc (09022015). Collection method: clinical testing. Allele origin: germline.
Comment: This sequence change creates a premature translational stop signal (p.Gly743Alafs*27) in the MERTK gene. It is expected to result in an absent or disrupted protein product. Loss-of-function variants in MERTK are known to be pathogenic (PMID: 24265693, 29659094). This variant is not present in population databases (gnomAD no frequency). This variant has not been reported in the literature in individuals affected with MERTK-related conditions. ClinVar contains an entry for this variant (Variation ID: 841415). For these reasons, this variant has been classified as Pathogenic.

Literature cited by the submitters: PubMed 24265693; PubMed 29659094.

NM_006343.3(MERTK):c.2228del (p.Gly743fs)

Gene: MERTK (MER proto-oncogene, tyrosine kinase; plus strand). Cytogenetic location: 2q13.
Variant type: Deletion.
Coding change: c.2228del on transcript NM_006343.3 (MANE Select); coding-DNA position 2228, one base deleted (G; older notation c.2228delG).
Protein change: p.Gly743fs; shifts the reading frame from glycine 743.
Molecular consequence: frameshift variant.
Genome position (GRCh38, 1-based): chr2:112,021,460, G deleted; the last of 2 consecutive G bases (chr2:112,021,459-112,021,460); deleting either gives the same sequence. VCF-style (leftmost placement, unchanged base first): chr2-112021458-CG-C. GRCh37 (hg19) VCF-style: chr2-112779035-CG-C.
Other names: short protein forms G743fs.
Identifiers: ClinVar variation 841415 (VCV000841415.7), dbSNP rs1677347565, ClinGen allele CA916082199.